The following is an entry in ClinVar:

NM_006648.4(WNK2):c.2243C>T (p.Pro748Leu)

Gene: WNK2 (WNK lysine deficient protein kinase 2; plus strand). Cytogenetic location: 9q22.31.
Variant type: single nucleotide variant.
Coding change: c.2243C>T on transcript NM_006648.4 (MANE Select); coding-DNA position 2243, C replaced by T.
Protein change: p.Pro748Leu; replaces proline 748 with leucine.
Molecular consequence: missense variant.
Genome position (GRCh38, 1-based): chr9:93,257,000, C>T. VCF-style: chr9-93257000-C-T. GRCh37 (hg19) VCF-style: chr9-96019282-C-T.
Other names: c.2243C>T, p.Pro748Leu (NM_001282394.3); short protein forms P748L.
Identifiers: ClinVar variation 4201740 (VCV004201740.1).

ClinVar aggregate classification (germline): Uncertain significance (1 of 4 stars; one submission).

gnomAD v4.1: 1 of 1,599,156 alleles (0.000063%); highest among the groups gnomAD compares: Non-Finnish European, 0.000085%; no homozygotes.

Submission:

Ambry Genetics
Classification: Uncertain significance. Last evaluated: 2025-08-11. Review status: criteria provided, single submitter. Criteria: Ambry Variant Classification Scheme 2023. Collection method: clinical testing. Allele origin: germline.
Comment: The p.P748L variant (also known as c.2243C>T), located in coding exon 10 of the WNK2 gene, results from a C to T substitution at nucleotide position 2243. The proline at codon 748 is replaced by leucine, an amino acid with similar properties. This amino acid position is conserved. In addition, this alteration is predicted to be tolerated by in silico analysis. Based on the available evidence, the clinical significance of this variant remains unclear.